The following is an entry in ClinVar:

NM_000977.4(RPL13):c.477+1G>T

Gene: RPL13 (ribosomal protein L13; plus strand). Cytogenetic location: 16q24.3.
Variant type: single nucleotide variant.
Coding change: c.477+1G>T on transcript NM_000977.4 (MANE Select); the canonical splice donor site of the intron after coding-DNA position 477, G replaced by T.
Molecular consequence: splice donor variant.
Genome position (GRCh38, 1-based): chr16:89,562,392, G>T. VCF-style: chr16-89562392-G-T. GRCh37 (hg19) VCF-style: chr16-89628800-G-T.
Other names: IVS5DS, G-T, +1; c.336+1G>T (NM_001243131.1); c.477+1G>T (NM_033251.2).
Identifiers: ClinVar variation 689800 (VCV000689800.5), dbSNP rs1597675888, ClinGen allele CA397422092.

ClinVar aggregate classification (germline): Pathogenic. Review status: criteria provided, single submitter (1 of 4 stars). 4 submissions from 4 submitters: Pathogenic (1). 3 of the submissions do not count toward it. Last evaluated 2022-01-03.

Conditions:
Spondyloepimetaphyseal dysplasia. Identifiers: MedGen C0432211, MONDO:0100510, HP:0002651.
Spondyloepimetaphyseal dysplasia, Isidor-Toutain type. Identifiers: MedGen C5231478, MONDO:0032885, OMIM 618728.

Submissions (4):

3billion
Classification: Pathogenic for Spondyloepimetaphyseal dysplasia, Isidor-Toutain type. Last evaluated: 2022-01-03. Review status: criteria provided, single submitter. Criteria: ACMG Guidelines, 2015. Collection method: clinical testing. Allele origin: germline. Affected: yes. Observed: 1 heterozygote.
Comment: Canonical splice site: predicted to alter splicing and result in a loss or disruption of normal protein function through protein truncation. The predicted truncated protein may be shortened by more than 10% (PVS1_S). The variant has been observed in multiple (>3) similarly affected unrelated individuals (PMID: 31630789, PS4_S). The variant has been previously reported as de novo in a similarly affected individual (PMID: 31630789, PS2_S). It is not observed in the gnomAD v2.1.1 dataset (PM2_M). Therefore, this variant is classified as pathogenic according to the recommendation of ACMG/AMP guideline.

OMIM
Classification: Pathogenic for SPONDYLOEPIMETAPHYSEAL DYSPLASIA, ISIDOR-TOUTAIN TYPE. Last evaluated: 2020-01-07. Review status: no assertion criteria provided. Collection method: literature only. Allele origin: germline. Not counted in ClinVar's aggregate classification.

Center for Molecular Medicine, Karolinska Institute
Classification: Pathogenic for Spondyloepimetaphyseal dysplasia, Isidor-Toutain type. Last evaluated: 2019-12-15. Review status: no assertion criteria provided. Collection method: research. Allele origin: germline. Affected: yes. Not counted in ClinVar's aggregate classification.
Comment: PMID number will be provide as soon as the paper is accepted for publication

Bone sarcomas and remodeling of calcified tissues, INSERM
Classification: Pathogenic for Spondyloepimetaphyseal dysplasia. Last evaluated: 2018-04-04. Review status: no assertion criteria provided. Collection method: clinical testing. Allele origin: de novo. Affected: yes. Not counted in ClinVar's aggregate classification.

Literature cited by the submitters: PubMed 31630789 (cited by 3billion and OMIM); PubMed 23956136 (cited by OMIM and Bone sarcomas and remodeling of calcified tissues, INSERM).